The following is an entry in ClinVar:

ClinVar aggregate classification (germline): Uncertain significance (1 of 4 stars; one submission).

Conditions:
Luscan-Lumish syndrome. Identifiers: Orphanet 597738, MedGen C4085873, MONDO:0014791, OMIM 616831.

Allele frequency attached by ClinVar (database versions not stated): gnomAD exomes 0.00001; gnomAD 0.00007; TOPMed 0.00014.
gnomAD v4.1: 20 of 1,613,784 alleles (0.0012%); highest among the groups gnomAD compares: African/African-American, 0.025%; no homozygotes.

Submission:

Labcorp Genetics (formerly Invitae), Labcorp
Classification: Uncertain significance for Luscan-Lumish syndrome. Last evaluated: 2020-09-25. Review status: criteria provided, single submitter. Criteria: Invitae Variant Classification Sherloc (09022015). Collection method: clinical testing. Allele origin: germline.
Comment: In summary, the available evidence is currently insufficient to determine the role of this variant in disease. Therefore, it has been classified as a Variant of Uncertain Significance. Algorithms developed to predict the effect of missense changes on protein structure and function output the following: SIFT: "Tolerated"; PolyPhen-2: "Benign"; Align-GVGD: "Class C0". The serine amino acid residue is found in multiple mammalian species, suggesting that this missense change does not adversely affect protein function. These predictions have not been confirmed by published functional studies and their clinical significance is uncertain. This sequence change replaces proline with serine at codon 906 of the SETD2 protein (p.Pro906Ser). The proline residue is moderately conserved and there is a moderate physicochemical difference between proline and serine. This variant is not present in population databases (ExAC no frequency). This variant has not been reported in the literature in individuals with SETD2-related conditions.

NM_014159.7(SETD2):c.2716C>T (p.Pro906Ser)

Gene: SETD2 (SET domain containing 2, histone lysine methyltransferase; minus strand). Cytogenetic location: 3p21.31.
Variant type: single nucleotide variant.
Coding change: c.2716C>T on transcript NM_014159.7 (MANE Select); coding-DNA position 2716, C replaced by T.
Protein change: p.Pro906Ser; replaces proline 906 with serine.
Molecular consequence: missense variant. On other transcripts: non-coding transcript variant (1).
Genome position (GRCh38, 1-based): chr3:47,121,920, G>A on the plus strand (C>T on the coding strand, the complement: SETD2 is on the minus strand). VCF-style: chr3-47121920-G-A. GRCh37 (hg19) VCF-style: chr3-47163410-G-A.
Other names: c.2584C>T, p.Pro862Ser (NM_001349370.3); short protein forms P906S, P862S.
Identifiers: ClinVar variation 942893 (VCV000942893.6), dbSNP rs940126759, ClinGen allele CA73809901.
Genomic context (GRCh38, chr3:47,121,920, plus strand): 5'-TCCCTGCATGCTTTAAAAACTCTGAACTTTTTTTACTCTTTAGCACTGCATCCAGAACTG[G>A]AGATGTGTTCTCTCCGCATTTCAAGAGAGTTAGACTGTCCACCTTTATTCCTGGTGGAAG-3'
Protein context (NP_054878.5, residues 896-916): TLLKCGENTS[Pro906Ser]VLDAVLKSKK